The following is an entry in ClinVar:

ClinVar aggregate classification (germline): Uncertain significance (1 of 4 stars; one submission).

Conditions:
Inborn genetic diseases. Identifiers: MedGen C0950123, MeSH D030342.

Submission:

Ambry Genetics
Classification: Uncertain significance for Inborn genetic diseases. Last evaluated: 2025-08-03. Review status: criteria provided, single submitter. Criteria: Ambry Variant Classification Scheme 2023. Collection method: clinical testing. Allele origin: germline.
Comment: The p.A212D variant (also known as c.635C>A), located in coding exon 6 of the USB1 gene, results from a C to A substitution at nucleotide position 635. The alanine at codon 212 is replaced by aspartic acid, an amino acid with dissimilar properties. This amino acid position is conserved. In addition, this alteration is predicted to be deleterious by in silico analysis. Based on the available evidence, the clinical significance of this variant remains unclear.

NM_024598.4(USB1):c.635C>A (p.Ala212Asp)

Gene: USB1 (U6 snRNA biogenesis phosphodiesterase 1; plus strand). Cytogenetic location: 16q21.
Variant type: single nucleotide variant.
Coding change: c.635C>A on transcript NM_024598.4 (MANE Select); coding-DNA position 635, C replaced by A.
Protein change: p.Ala212Asp; replaces alanine 212 with aspartic acid.
Molecular consequence: missense variant.
Genome position (GRCh38, 1-based): chr16:58,018,997, C>A. VCF-style: chr16-58018997-C-A. GRCh37 (hg19) VCF-style: chr16-58052901-C-A.
Other names: c.581C>A, p.Ala194Asp (NM_001195302.2); c.482C>A, p.Ala161Asp (NM_001330568.2); short protein forms A194D, A161D, A212D.
Identifiers: ClinVar variation 4196809 (VCV004196809.1).